The following is an entry in ClinVar:

ClinVar aggregate classification (germline): Uncertain significance (1 of 4 stars; one submission).

Conditions:
Inborn genetic diseases. Identifiers: MedGen C0950123, MeSH D030342.

Allele frequency attached by ClinVar (database versions not stated): TOPMed below 0.00001; gnomAD 0.00001.
gnomAD v4.1: 2 of 1,579,482 alleles (0.00013%); highest among the groups gnomAD compares: Non-Finnish European, 0.00017%; no homozygotes.

Submission:

Ambry Genetics
Classification: Uncertain significance for Inborn genetic diseases. Last evaluated: 2019-11-15. Review status: criteria provided, single submitter. Criteria: Ambry Variant Classification Scheme 2023. Collection method: clinical testing. Allele origin: germline.
Comment: The c.1855-4A>G intronic variant results from an A to G substitution 4 nucleotides upstream from coding exon 17 in the DCTN1 gene. This nucleotide position is not well conserved in available vertebrate species. Using the BDGP and ESEfinder splice site prediction tools, this alteration is not predicted to have any significant effect on this splice acceptor site; however, direct evidence is unavailable. Since supporting evidence is limited at this time, the clinical significance of this alteration remains unclear.

NM_004082.5(DCTN1):c.1855-4A>G

Gene: DCTN1 (dynactin subunit 1; minus strand). Cytogenetic location: 2p13.1.
Variant type: single nucleotide variant.
Coding change: c.1855-4A>G on transcript NM_004082.5 (MANE Select); 4 bases into the intron before coding-DNA position 1855, A replaced by G.
Molecular consequence: intron variant.
Genome position (GRCh38, 1-based): chr2:74,368,135, T>C on the plus strand (A>G on the coding strand, the complement: DCTN1 is on the minus strand). VCF-style: chr2-74368135-T-C. GRCh37 (hg19) VCF-style: chr2-74595262-T-C.
Other names: c.1744-4A>G (NM_001190836.2); c.1786-4A>G (NM_001378992.1); c.1804-4A>G (NM_001378991.1); c.1795-4A>G (NM_001135040.3); c.1834-4A>G (NM_001190837.2); c.1453-4A>G (NM_001135041.3, NM_023019.4).
Identifiers: ClinVar variation 1781389 (VCV001781389.2), dbSNP rs1196092738, ClinGen allele CA534127068.
Genomic context (GRCh38, chr2:74,368,135, plus strand): 5'-TGAACAGTTCTCACTTAGTTCAAACTTCTCCTGGGCCTGCTTCCGGATCAGCTCTGCCTG[T>C]GGGAAAAAGCACCAGGAACCTGGGCCTCAGAGCAGAGGATGGAGAACAGAGACTCAGGAA-3'